The following is an entry in ClinVar:

NM_001042492.3(NF1):c.3891_3899del (p.Gln1298_Leu1300del)

Gene: NF1 (neurofibromin 1; plus strand). Cytogenetic location: 17q11.2.
Variant type: Deletion.
Coding change: c.3891_3899del on transcript NM_001042492.3 (MANE Select); coding-DNA positions 3891 to 3899, 9 bases deleted (ACAAAAACT; older notation c.3891_3899delACAAAAACT).
Protein change: p.Gln1298_Leu1300del.
Molecular consequence: inframe deletion. On other transcripts: inframe indel (1).
Genome position (GRCh38, 1-based): chr17:31,235,938-31,235,946, ACAAAAACT deleted; deleting any 9 consecutive bases within chr17:31,235,936-31,235,946 gives the same sequence; the c. name uses the placement nearest the transcript's 3' end. VCF-style (leftmost placement, unchanged base first): chr17-31235935-TCTACAAAAA-T. GRCh37 (hg19) VCF-style: chr17-29562953-TCTACAAAAA-T.
Other names: c.3891_3899delACAAAAACT, p.Gln1298_Leu1300del (NM_000267.4).
Identifiers: ClinVar variation 1479351 (VCV001479351.8), dbSNP rs2151438534, ClinGen allele CA2573153291.
Genomic context (GRCh38, chr17:31,235,935, plus strand): 5'-TATGGAGCAGGTATAATAAACTCCTATTCGTGCATTTCTGTAGGTATATGGTGCTACCTA[TCTACAAAAA>T]CTCCTGGATCCTTTATTACGAATTGTGATCACATCCTCTGATTGGCAACATGTTAGCTTT-3'

ClinVar aggregate classification (germline): Uncertain significance (1 of 4 stars; one submission).

Conditions:
Neurofibromatosis, type 1 (NF1). Also called: Neurofibromatosis, type I; VON RECKLINGHAUSEN DISEASE; NEUROFIBROMATOSIS, TYPE I, SOMATIC; Peripheral type neurofibromatosis. Identifiers: Orphanet 636, MedGen C0027831, MONDO:0018975, OMIM 162200. Disease mechanism: loss of function.

Submission:

Labcorp Genetics (formerly Invitae), Labcorp
Classification: Uncertain significance for Neurofibromatosis, type 1. Last evaluated: 2020-10-28. Review status: criteria provided, single submitter. Criteria: Invitae Variant Classification Sherloc (09022015). Collection method: clinical testing. Allele origin: germline.
Comment: In summary, the available evidence is currently insufficient to determine the role of this variant in disease. Therefore, it has been classified as a Variant of Uncertain Significance. Experimental studies and prediction algorithms are not available or were not evaluated, and the functional significance of this variant is currently unknown. This variant has not been reported in the literature in individuals with NF1-related conditions. This variant is not present in population databases (ExAC no frequency). This variant, c.3891_3899del, results in the deletion of 3 amino acid(s) of the NF1 protein (p.Gln1298_Leu1300del), but otherwise preserves the integrity of the reading frame.